The following is an entry in ClinVar:

ClinVar aggregate classification (germline): Uncertain significance (1 of 4 stars; one submission).

Conditions:
Hyperaldosteronism, familial, type IV (HALD4). Also called: FH IV; ALDOSTERONISM, PRIMARY, AND HYPERTENSION. Identifiers: Orphanet 642671, MedGen C4310756, MONDO:0014875, OMIM 617027.
Idiopathic generalized epilepsy. Also called: EIG; Generalised epilepsy. Identifiers: MedGen C0270850, MONDO:0005579, OMIM 600669.

Allele frequency attached by ClinVar (database versions not stated): gnomAD 0.00001; gnomAD exomes 0.00001.
gnomAD v4.1: 19 of 1,612,964 alleles (0.0012%); highest among the groups gnomAD compares: Admixed American, 0.0067%; no homozygotes.

Submission:

Labcorp Genetics (formerly Invitae), Labcorp
Classification: Uncertain significance for Idiopathic generalized epilepsy; Hyperaldosteronism, familial, type IV. Last evaluated: 2023-05-20. Review status: criteria provided, single submitter. Criteria: Invitae Variant Classification Sherloc (09022015). Collection method: clinical testing. Allele origin: germline.
Comment: In summary, the available evidence is currently insufficient to determine the role of this variant in disease. Therefore, it has been classified as a Variant of Uncertain Significance. This sequence change replaces leucine, which is neutral and non-polar, with phenylalanine, which is neutral and non-polar, at codon 1427 of the CACNA1H protein (p.Leu1427Phe). This variant is not present in population databases (gnomAD no frequency). This variant has not been reported in the literature in individuals affected with CACNA1H-related conditions. Advanced modeling of protein sequence and biophysical properties (such as structural, functional, and spatial information, amino acid conservation, physicochemical variation, residue mobility, and thermodynamic stability) performed at Invitae indicates that this missense variant is expected to disrupt CACNA1H protein function.

NM_021098.3(CACNA1H):c.4279C>T (p.Leu1427Phe)

Gene: CACNA1H (calcium voltage-gated channel subunit alpha1 H; plus strand). Cytogenetic location: 16p13.3.
Variant type: single nucleotide variant.
Coding change: c.4279C>T on transcript NM_021098.3 (MANE Select); coding-DNA position 4279, C replaced by T.
Protein change: p.Leu1427Phe; replaces leucine 1427 with phenylalanine.
Molecular consequence: missense variant.
Genome position (GRCh38, 1-based): chr16:1,211,223, C>T. VCF-style: chr16-1211223-C-T. GRCh37 (hg19) VCF-style: chr16-1261223-C-T.
Other names: c.4279C>T, p.Leu1427Phe (NM_001005407.2); short protein forms L1427F.
Identifiers: ClinVar variation 2933292 (VCV002933292.3), dbSNP rs1330032968, ClinGen allele CA394178351.